The following is an entry in ClinVar:

NM_001145073.3(USP27X):c.221_225delinsAGA (p.Thr74fs)

Gene: USP27X (ubiquitin specific peptidase 27 X-linked; plus strand). Cytogenetic location: Xp11.23.
Variant type: Indel.
Coding change: c.221_225delinsAGA on transcript NM_001145073.3 (MANE Select); coding-DNA positions 221 to 225, CGATC replaced by AGA.
Protein change: p.Thr74fs; shifts the reading frame from threonine 74.
Molecular consequence: frameshift variant.
Genome position (GRCh38, 1-based): chrX:49,880,528-49,880,532, CGATC replaced by AGA. VCF-style: chrX-49880528-CGATC-AGA. GRCh37 (hg19) VCF-style: chrX-49645131-CGATC-AGA.
Other names: short protein forms T74fs.
Identifiers: ClinVar variation 2097077 (VCV002097077.4), dbSNP rs2519166848, ClinGen allele CA2580101130.

ClinVar aggregate classification (germline): Likely pathogenic (1 of 4 stars; one submission).

Submission:

Labcorp Genetics (formerly Invitae), Labcorp
Classification: Likely pathogenic. Last evaluated: 2022-02-12. Review status: criteria provided, single submitter. Criteria: Invitae Variant Classification Sherloc (09022015). Collection method: clinical testing. Allele origin: germline.
Comment: This sequence change creates a premature translational stop signal (p.Thr74Lysfs*35) in the USP27X gene. While this is not anticipated to result in nonsense mediated decay, it is expected to disrupt the last 365 amino acid(s) of the USP27X protein. This variant is not present in population databases (gnomAD no frequency). This premature translational stop signal has been observed in individual(s) with clinical features of X-linked intellectual disability (Invitae). In at least one individual the variant was observed to be de novo. Experimental studies and prediction algorithms are not available or were not evaluated, and the functional significance of this variant is currently unknown. In summary, the currently available evidence indicates that the variant is pathogenic, but additional data are needed to prove that conclusively. Therefore, this variant has been classified as Likely Pathogenic.